The following is an entry in ClinVar:

NM_153240.5(NPHP3):c.1791T>C (p.Ala597=)

Genes: NPHP3 (nephrocystin 3; minus strand), NPHP3-ACAD11 (NPHP3-ACAD11 readthrough (NMD candidate); minus strand). Cytogenetic location: 3q22.1.
Variant type: single nucleotide variant.
Coding change: c.1791T>C on transcript NM_153240.5 (MANE Select); coding-DNA position 1791, T replaced by C.
Protein change: p.Ala597=; no amino-acid change (alanine 597 retained).
Molecular consequence: synonymous variant. On other transcripts: non-coding transcript variant (1).
Genome position (GRCh38, 1-based): chr3:132,700,014, A>G on the plus strand (T>C on the coding strand, the complement: NPHP3 is on the minus strand). VCF-style: chr3-132700014-A-G. GRCh37 (hg19) VCF-style: chr3-132418858-A-G.
Other names: c.1791T>C (NM_153240.4).
Identifiers: ClinVar variation 1093121 (VCV001093121.10), dbSNP rs1269919387, ClinGen allele CA435796979.
Genomic context (GRCh38, chr3:132,700,014, plus strand): 5'-GCTGCCTTGATGACGAGCAGAGAGTTTTTCCAGCCAACGTGGAAATTCTTCCAGAAGCTT[A>G]GCAGGATCCAGTGTCAGAGCAGAGACTGACCAAGAGTGCTGCATCAACTACAAGATAAGA-3'
Protein context (NP_694972.3, residues 587-607): WSVSALTLDP[Ala597=]KLLEEFPRWL

ClinVar aggregate classification (germline): Likely benign. Review status: criteria provided, multiple submitters, no conflicts (2 of 4 stars). 2 submissions from 2 submitters: Likely benign (2). Last evaluated 2026-01-09.

Conditions:
NPHP3-related disorder. Also called: NPHP3-related disorders; NPHP3-related condition. Identifiers: MedGen CN379163.
Nephronophthisis. Also called: Juvenile Nephronophthisis. Identifiers: Orphanet 655, MedGen C0687120, MONDO:0019005, HP:0000090.

Allele frequency attached by ClinVar (database versions not stated): gnomAD exomes below 0.00001; gnomAD 0.00001; TOPMed 0.00002.
gnomAD v4.1: 8 of 1,614,046 alleles (0.0005%); highest among the groups gnomAD compares: Non-Finnish European, 0.00059%; no homozygotes.

Submissions (2):

Labcorp Genetics (formerly Invitae), Labcorp
Classification: Likely benign for Nephronophthisis. Last evaluated: 2026-01-09. Review status: criteria provided, single submitter. Criteria: Invitae Variant Classification Sherloc (09022015). Collection method: clinical testing. Allele origin: germline.

PreventionGenetics, part of Exact Sciences
Classification: Likely benign for NPHP3-related condition. Last evaluated: 2025-05-08. Review status: criteria provided, single submitter. Criteria: ACMG Guidelines, 2015. Collection method: clinical testing. Allele origin: germline.
Comment: This variant is classified as likely benign based on ACMG/AMP sequence variant interpretation guidelines (Richards et al. 2015 PMID: 25741868, with internal and published modifications).